The following is an entry in ClinVar:

NM_145290.4(ADGRA3):c.2272del (p.Leu758fs)

Gene: ADGRA3 (adhesion G protein-coupled receptor A3; minus strand). Cytogenetic location: 4p15.2.
Variant type: Deletion.
Coding change: c.2272del on transcript NM_145290.4 (MANE Select); coding-DNA position 2272, one base deleted (C; older notation c.2272delC).
Protein change: p.Leu758fs; shifts the reading frame from leucine 758.
Molecular consequence: frameshift variant.
Genome position (GRCh38, 1-based): chr4:22,402,760, G deleted on the plus strand (C on the coding strand, the reverse complement: ADGRA3 is on the minus strand); the first of 2 consecutive G bases (chr4:22,402,760-22,402,761); deleting either gives the same sequence. VCF-style (leftmost placement, unchanged base first): chr4-22402759-AG-A. GRCh37 (hg19) VCF-style: chr4-22404382-AG-A.
Other names: short protein forms L758fs.
Identifiers: ClinVar variation 2092197 (VCV002092197.4), dbSNP rs767407821, ClinGen allele CA2873683.

ClinVar aggregate classification (germline): Uncertain significance (1 of 4 stars; one submission).

Submission:

Labcorp Genetics (formerly Invitae), Labcorp
Classification: Uncertain significance. Last evaluated: 2022-09-07. Review status: criteria provided, single submitter. Criteria: Invitae Variant Classification Sherloc (09022015). Collection method: clinical testing. Allele origin: germline.
Comment: In summary, the available evidence is currently insufficient to determine the role of this variant in disease. Therefore, it has been classified as a Variant of Uncertain Significance. This variant has not been reported in the literature in individuals affected with ADGRA3-related conditions. This variant is present in population databases (rs767407821, gnomAD 0.0009%). This sequence change creates a premature translational stop signal (p.Leu758Serfs*18) in the ADGRA3 gene. It is expected to result in an absent or disrupted protein product. However, the current clinical and genetic evidence is not sufficient to establish whether loss-of-function variants in ADGRA3 cause disease.